The following is an entry in ClinVar:

ClinVar aggregate classification (germline): Uncertain significance. Review status: criteria provided, multiple submitters, no conflicts (2 of 4 stars). 2 submissions from 2 submitters: Uncertain significance (2). Last evaluated 2026-06-04.

Conditions:
Inborn genetic diseases. Identifiers: MedGen C0950123, MeSH D030342.

gnomAD v4.1: 1 of 1,614,172 alleles (0.000062%); highest among the groups gnomAD compares: Admixed American, 0.0017%; no homozygotes.

Submissions (2):

Ambry Genetics
Classification: Uncertain significance for Inborn genetic diseases. Last evaluated: 2026-06-04. Review status: criteria provided, single submitter. Criteria: Ambry Variant Classification Scheme 2023. Collection method: clinical testing. Allele origin: germline.
Comment: The c.2065G>A (p.A689T) alteration is located in exon 13 (coding exon 12) of the CTNNB1 gene. This alteration results from a G to A substitution at nucleotide position 2065, causing the alanine (A) at amino acid position 689 to be replaced by a threonine (T). Based on data from gnomAD, the A allele has an overall frequency of <0.001% (1/251166) total alleles studied. The highest observed frequency was 0.003% (1/34586) of Latino alleles. Based on insufficient or conflicting evidence, the clinical significance of this alteration remains unclear.

Blueprint Genetics
Classification: Uncertain significance. Last evaluated: 2021-09-10. Review status: criteria provided, single submitter. Criteria: ACMG Guidelines, 2015. Collection method: clinical testing. Allele origin: germline.

NM_001904.4(CTNNB1):c.2065G>A (p.Ala689Thr)

Gene: CTNNB1 (catenin beta 1; plus strand). Cytogenetic location: 3p22.1.
Variant type: single nucleotide variant.
Coding change: c.2065G>A on transcript NM_001904.4 (MANE Select); coding-DNA position 2065, G replaced by A.
Protein change: p.Ala689Thr; replaces alanine 689 with threonine.
Molecular consequence: missense variant.
Genome position (GRCh38, 1-based): chr3:41,236,698, G>A. VCF-style: chr3-41236698-G-A. GRCh37 (hg19) VCF-style: chr3-41278189-G-A.
Other names: c.2065G>A, p.Ala689Thr (NM_001098209.2, NM_001098210.2, NM_001438871.1 and 4 more transcripts); c.2044G>A, p.Ala682Thr (NM_001330729.2); short protein forms A682T, A689T.
Identifiers: ClinVar variation 4869508 (VCV004869508.2).